The following is an entry in ClinVar:

NM_000088.4(COL1A1):c.1667C>T (p.Pro556Leu)

Gene: COL1A1 (collagen type I alpha 1 chain; minus strand). Cytogenetic location: 17q21.33.
Variant type: single nucleotide variant.
Coding change: c.1667C>T on transcript NM_000088.4 (MANE Select); coding-DNA position 1667, C replaced by T.
Protein change: p.Pro556Leu; replaces proline 556 with leucine.
Molecular consequence: missense variant.
Genome position (GRCh38, 1-based): chr17:50,194,131, G>A on the plus strand (C>T on the coding strand, the complement: COL1A1 is on the minus strand). VCF-style: chr17-50194131-G-A. GRCh37 (hg19) VCF-style: chr17-48271492-G-A.
Other names: short protein forms P556L.
Identifiers: ClinVar variation 1472933 (VCV001472933.8), dbSNP rs778151591, ClinGen allele CA400215734.
Genomic context (GRCh38, chr17:50,194,131, plus strand): 5'-GAGGACAGCAGGGAGGCAGACAGGACAATGGCAGGGGGTTCAGGGGGAGTGATACTTACA[G>A]GGGGGCCAGTTTTGCCATCAGGACCAGGGCTGCCAGGGCTTCCAGTCAGACCCTAGGGAG-3'
Protein context (NP_000079.2, residues 546-566): SPGPDGKTGP[Pro556Leu]GPAGQDGRPG

ClinVar aggregate classification (germline): Uncertain significance (1 of 4 stars; one submission).

Conditions:
Osteogenesis imperfecta type I (OI1). Also called: Lobstein's Disease; Classic Non-deforming Osteogenesis Imperfecta with Blue Sclerae; OI, TYPE I; OSTEOGENESIS IMPERFECTA TARDA; OSTEOGENESIS IMPERFECTA WITH BLUE SCLERAE; Osteogenesis imperfecta type 1. Identifiers: Orphanet 216796, Orphanet 666, MedGen C0023931, MONDO:0008146, OMIM 166200. Disease mechanism: loss of function.

Submission:

Labcorp Genetics (formerly Invitae), Labcorp
Classification: Uncertain significance for Osteogenesis imperfecta type I. Last evaluated: 2021-02-19. Review status: criteria provided, single submitter. Criteria: Invitae Variant Classification Sherloc (09022015). Collection method: clinical testing. Allele origin: germline.
Comment: This variant is not present in population databases (ExAC no frequency). This variant has not been reported in the literature in individuals with COL1A1-related conditions. Algorithms developed to predict the effect of missense changes on protein structure and function are either unavailable or do not agree on the potential impact of this missense change (SIFT: "Deleterious"; PolyPhen-2: "Not Available"; Align-GVGD: "Class C0"). In summary, the available evidence is currently insufficient to determine the role of this variant in disease. Therefore, it has been classified as a Variant of Uncertain Significance. This sequence change replaces proline with leucine at codon 556 of the COL1A1 protein (p.Pro556Leu). The proline residue is moderately conserved and there is a moderate physicochemical difference between proline and leucine.